The following is an entry in ClinVar:

NM_000231.3(SGCG):c.325C>T (p.Gln109Ter)

Gene: SGCG (sarcoglycan gamma; plus strand). Cytogenetic location: 13q12.12.
Variant type: single nucleotide variant.
Coding change: c.325C>T on transcript NM_000231.3 (MANE Select); coding-DNA position 325, C replaced by T.
Protein change: p.Gln109Ter; replaces glutamine 109 with a stop codon.
Molecular consequence: nonsense.
Genome position (GRCh38, 1-based): chr13:23,250,657, C>T. VCF-style: chr13-23250657-C-T. GRCh37 (hg19) VCF-style: chr13-23824796-C-T.
Other names: c.379C>T, p.Gln127Ter (NM_001378244.1); c.325C>T, p.Gln109Ter (NM_001378245.1, NM_001378246.1); short protein forms Q127*, Q109*.
Identifiers: ClinVar variation 4919353 (VCV004919353.3).

ClinVar aggregate classification (germline): Likely pathogenic. Review status: criteria provided, multiple submitters, no conflicts (2 of 4 stars). 2 submissions from 2 submitters: Likely pathogenic (2). Last evaluated 2021-04-15.

Conditions:
Autosomal recessive limb-girdle muscular dystrophy type 2C (LGMDR5). Also called: MUSCULAR DYSTROPHY, DUCHENNE-LIKE; MUSCULAR DYSTROPHY, LIMB-GIRDLE, AUTOSOMAL RECESSIVE 5. Identifiers: Orphanet 353, MedGen C0410173, MONDO:0009677, OMIM 253700. Disease mechanism: Affects gamma-sarcoglycan and also disrupts the integrity of the entire sarcoglycan complex..
SGCG-related disorder. Also called: SGCG-related condition.

gnomAD v4.1: 1 of 1,612,408 alleles (0.000062%); highest among the groups gnomAD compares: Non-Finnish European, 0.000085%; no homozygotes.

Submissions (2):

Blueprint Genetics
Classification: Likely pathogenic for SGCG-related disorders. Last evaluated: 2021-04-15. Review status: criteria provided, single submitter. Criteria: ACMG Guidelines, 2015. Collection method: clinical testing. Allele origin: germline. Affected: yes. Observed: 1 variant allele.

Juno Genomics, Hangzhou Juno Genomics, Inc
Classification: Likely pathogenic for Autosomal recessive limb-girdle muscular dystrophy type 2C. Review status: criteria provided, single submitter. Criteria: ACMG Guidelines, 2015. Collection method: clinical testing. Allele origin: germline.
Comment: Null variant in a gene where loss of function (LOF) is a known mechanism of disease.;Absent from controls (or at extremely low frequency if recessive) in Genome Aggregation Database.